The following is an entry in ClinVar:

NM_020765.3(UBR4):c.6459-1G>A

Gene: UBR4 (ubiquitin protein ligase E3 component n-recognin 4; minus strand). Cytogenetic location: 1p36.13.
Variant type: single nucleotide variant.
Coding change: c.6459-1G>A on transcript NM_020765.3 (MANE Select); the canonical splice acceptor site of the intron before coding-DNA position 6459, G replaced by A.
Molecular consequence: splice acceptor variant.
Genome position (GRCh38, 1-based): chr1:19,153,940, C>T on the plus strand (G>A on the coding strand, the complement: UBR4 is on the minus strand). VCF-style: chr1-19153940-C-T. GRCh37 (hg19) VCF-style: chr1-19480434-C-T.
Identifiers: ClinVar variation 3338534 (VCV003338534.1).
Genomic context (GRCh38, chr1:19,153,940, plus strand): 5'-TGGTTCATCACCTCAGACCACTGGCAAAGAGCAGGAGAAGTCTTACTGCCACCATTGGAA[C>T]TGCAGACAACAAAACTGGCCACAGTTAGAGTGTCAGTCACCATTTAATAGTTCTTTTCTT-3'

ClinVar aggregate classification (germline): Uncertain significance (1 of 4 stars; one submission).

Submission:

Greenwood Genetic Center Diagnostic Laboratories, Greenwood Genetic Center
Classification: Uncertain significance. Last evaluated: 2024-05-30. Review status: criteria provided, single submitter. Criteria: ACMG Guidelines, 2015. Collection method: clinical testing. Allele origin: germline. Affected: yes.
Comment: Gene of Uncertain Significance